The following is an entry in ClinVar:

NM_001363118.2(SLC52A2):c.266T>C (p.Met89Thr)

Gene: SLC52A2 (solute carrier family 52 member 2; plus strand). Cytogenetic location: 8q24.3.
Variant type: single nucleotide variant.
Coding change: c.266T>C on transcript NM_001363118.2 (MANE Select); coding-DNA position 266, T replaced by C.
Protein change: p.Met89Thr; replaces methionine 89 with threonine.
Molecular consequence: missense variant. On other transcripts: non-coding transcript variant (1), intron variant (1).
Genome position (GRCh38, 1-based): chr8:144,359,758, T>C. VCF-style: chr8-144359758-T-C. GRCh37 (hg19) VCF-style: chr8-145583418-T-C.
Other names: c.266T>C, p.Met89Thr (NM_001363120.2, NM_001363121.2, NM_024531.5 and 2 more transcripts); c.130+335T>C (NM_001363122.2); c.266T>C (NM_001253816.1); short protein forms M89T.
Identifiers: ClinVar variation 1407435 (VCV001407435.8), dbSNP rs782539355, ClinGen allele CA4938154.

ClinVar aggregate classification (germline): Uncertain significance. Review status: criteria provided, multiple submitters, no conflicts (2 of 4 stars). 3 submissions from 3 submitters: Uncertain significance (3). Last evaluated 2026-09-04.

Conditions:
SLC52A2-related disorder. Also called: SLC52A2-related condition.
Inborn genetic diseases. Identifiers: MedGen C0950123, MeSH D030342.
Brown-Vialetto-van Laere syndrome 2. Also called: SPINOCEREBELLAR ATAXIA WITH BLINDNESS AND DEAFNESS 2; Riboflavin transporter deficiency type 2. Identifiers: Orphanet 572543, Orphanet 97229, MedGen C3553538, MONDO:0013867, OMIM 614707.

Allele frequency attached by ClinVar (database versions not stated): ExAC 0.00001; gnomAD 0.00007 and 0.00006; TOPMed 0.00008; gnomAD exomes 0.00001 and 0.00002.

Submissions (3):

PreventionGenetics, part of Exact Sciences
Classification: Uncertain significance for SLC52A2-related condition. Last evaluated: 2026-09-04. Review status: criteria provided, single submitter. Criteria: ACMG Guidelines, 2015. Collection method: clinical testing. Allele origin: germline.
Comment: The SLC52A2 c.266T>C variant is predicted to result in the amino acid substitution p.Met89Thr. To our knowledge, this variant has not been reported in the literature. This variant is reported in 0.024% of alleles in individuals of African descent in gnomAD. At this time, the clinical significance of this variant is uncertain due to the absence of conclusive functional and genetic evidence.

Labcorp Genetics (formerly Invitae), Labcorp
Classification: Uncertain significance for Brown-Vialetto-van Laere syndrome 2. Last evaluated: 2021-09-01. Review status: criteria provided, single submitter. Criteria: Invitae Variant Classification Sherloc (09022015). Collection method: clinical testing. Allele origin: germline.
Comment: This sequence change replaces methionine with threonine at codon 89 of the SLC52A2 protein (p.Met89Thr). The methionine residue is weakly conserved and there is a moderate physicochemical difference between methionine and threonine. This variant is present in population databases (rs782539355, ExAC 0.01%). This variant has not been reported in the literature in individuals affected with SLC52A2-related conditions. Advanced modeling of protein sequence and biophysical properties (such as structural, functional, and spatial information, amino acid conservation, physicochemical variation, residue mobility, and thermodynamic stability) performed at Invitae indicates that this missense variant is not expected to disrupt SLC52A2 protein function. In summary, the available evidence is currently insufficient to determine the role of this variant in disease. Therefore, it has been classified as a Variant of Uncertain Significance.

Ambry Genetics
Classification: Uncertain significance for Inborn genetic diseases. Last evaluated: 2021-06-21. Review status: criteria provided, single submitter. Criteria: Ambry Variant Classification Scheme 2023. Collection method: clinical testing. Allele origin: germline.
Comment: The p.M89T variant (also known as c.266T>C), located in coding exon 2 of the SLC52A2 gene, results from a T to C substitution at nucleotide position 266. The methionine at codon 89 is replaced by threonine, an amino acid with similar properties. This amino acid position is poorly conserved in available vertebrate species. In addition, this alteration is predicted to be tolerated by in silico analysis. Since supporting evidence is limited at this time, the clinical significance of this alteration remains unclear.